The following is an entry in ClinVar:

ClinVar aggregate classification (germline): Pathogenic. Review status: criteria provided, single submitter (1 of 4 stars). 2 submissions from 2 submitters: Pathogenic (1). 1 of the submissions does not count toward it. Last evaluated 2024-10-14.

Conditions:
Tuberous sclerosis syndrome (TSC). Also called: Tuberous Sclerosis Complex; Tuberous sclerosis. Identifiers: Orphanet 805, MedGen C0041341, MONDO:0001734.

Submissions (2):

GeneDx
Classification: Pathogenic. Last evaluated: 2024-10-14. Review status: criteria provided, single submitter. Criteria: GeneDx Variant Classification Process June 2021. Collection method: clinical testing. Allele origin: germline. Affected: yes.
Comment: Frameshift variant predicted to result in protein truncation or nonsense mediated decay in a gene for which loss of function is a known mechanism of disease; Not observed at significant frequency in large population cohorts (gnomAD); Also known as c.2363delA; This variant is associated with the following publications: (PMID: 16114042)

Tuberous sclerosis database (TSC1)
No classification provided. Condition: TSC. Review status: no classification provided. Criteria: Tuberous Sclerosis Database Assertion Criteria 2015. Collection method: curation. Allele origin: germline. Affected: yes. Not counted in ClinVar's aggregate classification.

NM_000368.5(TSC1):c.2364del (p.Glu788fs)

Gene: TSC1 (TSC complex subunit 1; minus strand). Cytogenetic location: 9q34.13.
Variant type: Deletion.
Coding change: c.2364del on transcript NM_000368.5 (MANE Select); coding-DNA position 2364, one base deleted (A; older notation c.2364delA).
Protein change: p.Glu788fs; shifts the reading frame from glutamic acid 788.
Molecular consequence: frameshift variant.
Genome position (GRCh38, 1-based): chr9:132,902,632, T deleted on the plus strand (A on the coding strand, the reverse complement: TSC1 is on the minus strand); the first of 2 consecutive T bases (chr9:132,902,632-132,902,633); deleting either gives the same sequence. VCF-style (leftmost placement, unchanged base first): chr9-132902631-AT-A. GRCh37 (hg19) VCF-style: chr9-135778018-AT-A.
Other names: c.2364delA (NM_000368.4); c.2361del, p.Glu787fs (NM_001162426.2); c.2211del, p.Glu737fs (NM_001162427.2); c.2001del, p.Glu667fs (NM_001362177.2); c.2364del (NM_000368.4); short protein forms E737fs, E788fs, E667fs, E787fs.
Identifiers: ClinVar variation 48947 (VCV000048947.3), dbSNP rs118203686, ClinGen allele CA006367.